The following is an entry in ClinVar:

NM_032119.4(ADGRV1):c.11745T>A (p.Phe3915Leu)

Gene: ADGRV1 (adhesion G protein-coupled receptor V1; plus strand). Cytogenetic location: 5q14.3.
Variant type: single nucleotide variant.
Coding change: c.11745T>A on transcript NM_032119.4 (MANE Select); coding-DNA position 11745, T replaced by A.
Protein change: p.Phe3915Leu; replaces phenylalanine 3915 with leucine.
Molecular consequence: missense variant. On other transcripts: non-coding transcript variant (1).
Genome position (GRCh38, 1-based): chr5:90,756,618, T>A. VCF-style: chr5-90756618-T-A. GRCh37 (hg19) VCF-style: chr5-90052435-T-A.
Other names: short protein forms F3915L.
Identifiers: ClinVar variation 2104128 (VCV002104128.4), dbSNP rs201453118, ClinGen allele CA360370315.

ClinVar aggregate classification (germline): Uncertain significance (1 of 4 stars; one submission).

Submission:

Labcorp Genetics (formerly Invitae), Labcorp
Classification: Uncertain significance. Last evaluated: 2022-04-04. Review status: criteria provided, single submitter. Criteria: Invitae Variant Classification Sherloc (09022015). Collection method: clinical testing. Allele origin: germline.
Comment: In summary, the available evidence is currently insufficient to determine the role of this variant in disease. Therefore, it has been classified as a Variant of Uncertain Significance. Algorithms developed to predict the effect of missense changes on protein structure and function are either unavailable or do not agree on the potential impact of this missense change (SIFT: "Deleterious"; PolyPhen-2: "Possibly Damaging"; Align-GVGD: "Class C0"). This variant has not been reported in the literature in individuals affected with ADGRV1-related conditions. This variant is not present in population databases (gnomAD no frequency). This sequence change replaces phenylalanine, which is neutral and non-polar, with leucine, which is neutral and non-polar, at codon 3915 of the ADGRV1 protein (p.Phe3915Leu).